The following is an entry in ClinVar:

ClinVar aggregate classification (germline): Uncertain significance (1 of 4 stars; one submission).

Allele frequency attached by ClinVar (database versions not stated): gnomAD exomes below 0.00001.
gnomAD v4.1: 2 of 1,613,158 alleles (0.00012%); highest among the groups gnomAD compares: Non-Finnish European, 0.00017%; no homozygotes.

Submission:

Labcorp Genetics (formerly Invitae), Labcorp
Classification: Uncertain significance. Last evaluated: 2025-02-03. Review status: criteria provided, single submitter. Criteria: Invitae Variant Classification Sherloc (09022015). Collection method: clinical testing. Allele origin: germline.
Comment: This sequence change replaces serine, which is neutral and polar, with asparagine, which is neutral and polar, at codon 323 of the SCN3A protein (p.Ser323Asn). This variant is not present in population databases (gnomAD no frequency). This variant has not been reported in the literature in individuals affected with SCN3A-related conditions. ClinVar contains an entry for this variant (Variation ID: 1924224). An algorithm developed to predict the effect of missense changes on protein structure and function (PolyPhen-2) suggests that this variant is likely to be tolerated. In summary, the available evidence is currently insufficient to determine the role of this variant in disease. Therefore, it has been classified as a Variant of Uncertain Significance.

NM_006922.4(SCN3A):c.968G>A (p.Ser323Asn)

Gene: SCN3A (sodium voltage-gated channel alpha subunit 3; minus strand). Cytogenetic location: 2q24.3.
Variant type: single nucleotide variant.
Coding change: c.968G>A on transcript NM_006922.4 (MANE Select); coding-DNA position 968, G replaced by A.
Protein change: p.Ser323Asn; replaces serine 323 with asparagine.
Molecular consequence: missense variant.
Genome position (GRCh38, 1-based): chr2:165,162,371, C>T on the plus strand (G>A on the coding strand, the complement: SCN3A is on the minus strand). VCF-style: chr2-165162371-C-T. GRCh37 (hg19) VCF-style: chr2-166018881-C-T.
Other names: c.968G>A, p.Ser323Asn (NM_001081676.2, NM_001081677.2); short protein forms S323N.
Identifiers: ClinVar variation 1924224 (VCV001924224.5), dbSNP rs1043260290, ClinGen allele CA60230225.